The following is an entry in ClinVar:

NM_000404.4(GLB1):c.769_792+13del

Gene: GLB1 (galactosidase beta 1; minus strand). Cytogenetic location: 3p22.3.
Variant type: Deletion.
Coding change: c.769_792+13del on transcript NM_000404.4 (MANE Select); coding-DNA position 769 through 13 bases into the intron after coding-DNA position 792, 37 bases deleted.
Molecular consequence: splice donor variant.
Genome position (GRCh38, 1-based): chr3:33,053,478-33,053,514, 37 bases deleted; deleting any 37 consecutive bases within chr3:33,053,478-33,053,518 gives the same sequence; the c. name uses the placement nearest the transcript's 3' end. GRCh37 (hg19): chr3:33,094,974-33,095,010.
Other names: c.769_792+13del (NM_000404.2, NM_001393580.1); c.376_399+13del (NM_001135602.3); c.913_936+13del (NM_001317040.2); c.679_702+13del (NM_001079811.3).
Identifiers: ClinVar variation 556646 (VCV000556646.10), dbSNP rs1282958432, ClinGen allele CA432959536.

ClinVar aggregate classification (germline): Pathogenic/Likely pathogenic. Review status: criteria provided, multiple submitters, no conflicts (2 of 4 stars). 3 submissions from 3 submitters: Pathogenic (1); Likely pathogenic (1). 1 of the submissions does not count toward it. Last evaluated 2025-06-19.

Conditions:
GM1 gangliosidosis type 3. Also called: GANGLIOSIDOSIS, GENERALIZED GM1, ADULT TYPE; GANGLIOSIDOSIS, GENERALIZED GM1, CHRONIC TYPE; GANGLIOSIDOSIS, GENERALIZED GM1, TYPE III; GM1-GANGLIOSIDOSIS, TYPE III; Beta-galactosidase deficiency; Adult GM1 gangliosidosis. Identifiers: Orphanet 79257, MedGen C0268273, MONDO:0009262, OMIM 230650.
GM1 gangliosidosis type 2. Also called: GANGLIOSIDOSIS, GENERALIZED GM1, JUVENILE TYPE; GANGLIOSIDOSIS, GENERALIZED GM1, TYPE II; GM1-GANGLIOSIDOSIS, TYPE II; Juvenile GM>1< gangliosidosis; Gangliosidosis, Generalized GM1, Type 2. Identifiers: Orphanet 354, Orphanet 79256, MedGen C0268272, MONDO:0009261, OMIM 230600.
Infantile GM1 gangliosidosis. Also called: GM1 gangliosidosis type 1; GM1-gangliosidosis, type I; Gangliosidosis, generalized GM1, infantile form; GLB1 deficiency; Gangliosidosis, Generalized GM1, Type 1. Identifiers: Orphanet 354, Orphanet 79255, MedGen C0268271, MONDO:0009260, OMIM 230500.
Mucopolysaccharidosis, MPS-IV-B (MPS4B). Also called: Mucopolysaccharidosis type 4B; Mucopolysaccharidosis Type IVB (Morquio B Disease); MORQUIO SYNDROME B; Mucopolysaccharidosis type IVB (Morquio); MPS IVB; Mucopolysaccharidosis type IV B. Identifiers: Orphanet 309310, Orphanet 582, MedGen C0086652, MONDO:0009660, OMIM 253010.
GM1 gangliosidosis. Identifiers: Orphanet 354, MedGen C0085131, MONDO:0018149.

Submissions (3):

Labcorp Genetics (formerly Invitae), Labcorp
Classification: Pathogenic for Mucopolysaccharidosis, MPS-IV-B; GM1 gangliosidosis. Last evaluated: 2025-06-19. Review status: criteria provided, single submitter. Criteria: Invitae Variant Classification Sherloc (09022015). Collection method: clinical testing. Allele origin: germline.
Comment: This variant results in the deletion of part of exon 7 (c.769_792+13del) of the GLB1 gene. It is expected to disrupt RNA splicing. Variants that disrupt the donor or acceptor splice site typically lead to a loss of protein function (PMID: 16199547), and loss-of-function variants in GLB1 are known to be pathogenic (PMID: 18524657). This variant is present in population databases (no rsID available, gnomAD 0.007%). This variant has been observed in individual(s) with clinical features of GLB1-related conditions (internal data). ClinVar contains an entry for this variant (Variation ID: 556646). This variant disrupts a region of the GLB1 protein in which other variant(s) (p.Gly262Glu) have been observed in individuals with GLB1-related conditions (PMID: 25936995). This suggests that this is a clinically significant region of the protein, and that variants that disrupt it are likely to be disease-causing. For these reasons, this variant has been classified as Pathogenic.

Fulgent Genetics
Classification: Likely pathogenic for Infantile GM1 gangliosidosis; GM1 gangliosidosis type 2; GM1 gangliosidosis type 3; Mucopolysaccharidosis, MPS-IV-B. Last evaluated: 2024-04-03. Review status: criteria provided, single submitter. Criteria: ACMG Guidelines, 2015. Collection method: clinical testing. Allele origin: germline.

Counsyl
Classification: Likely pathogenic for Infantile GM1 gangliosidosis; GM1 gangliosidosis type 2; GM1 gangliosidosis type 3; Mucopolysaccharidosis, MPS-IV-B. Last evaluated: 2018-02-13. Review status: no assertion criteria provided. Collection method: clinical testing. Allele origin: unknown. Not counted in ClinVar's aggregate classification.

Literature cited by the submitters: PubMed 16199547 (cited by Labcorp Genetics (formerly Invitae), Labcorp); PubMed 18524657 (cited by Labcorp Genetics (formerly Invitae), Labcorp); PubMed 25936995 (cited by Labcorp Genetics (formerly Invitae), Labcorp).